The following is an entry in ClinVar:

NM_006361.6(HOXB13):c.40G>A (p.Asp14Asn)

Gene: HOXB13 (homeobox B13; minus strand). Cytogenetic location: 17q21.32.
Variant type: single nucleotide variant.
Coding change: c.40G>A on transcript NM_006361.6 (MANE Select); coding-DNA position 40, G replaced by A.
Protein change: p.Asp14Asn; replaces aspartic acid 14 with asparagine.
Molecular consequence: missense variant.
Genome position (GRCh38, 1-based): chr17:48,728,554, C>T on the plus strand (G>A on the coding strand, the complement: HOXB13 is on the minus strand). VCF-style: chr17-48728554-C-T. GRCh37 (hg19) VCF-style: chr17-46805916-C-T.
Other names: short protein forms D14N.
Identifiers: ClinVar variation 1720750 (VCV001720750.5), dbSNP rs1597935289, ClinGen allele CA400109812.
Genomic context (GRCh38, chr17:48,728,554, plus strand): 5'-TCAGAGGGGAGTGGGCGACCAGATTCCGCCCCCCTCCCGCTCCCAGCAAGCCTTCGATAT[C>T]CTTGGCTCCATCCAAGGTGGCATAATTGCCGGGCTCCATGGAGCCGAGGGTCGGCTCATG-3'
Protein context (NP_006352.2, residues 4-24): GNYATLDGAK[Asp14Asn]IEGLLGAGGG

ClinVar aggregate classification (germline): Uncertain significance (1 of 4 stars; one submission).

Submission:

Labcorp Genetics (formerly Invitae), Labcorp
Classification: Uncertain significance. Last evaluated: 2023-12-31. Review status: criteria provided, single submitter. Criteria: Invitae Variant Classification Sherloc (09022015). Collection method: clinical testing. Allele origin: germline.
Comment: This sequence change replaces aspartic acid, which is acidic and polar, with asparagine, which is neutral and polar, at codon 14 of the HOXB13 protein (p.Asp14Asn). This variant is not present in population databases (gnomAD no frequency). This variant has not been reported in the literature in individuals affected with HOXB13-related conditions. ClinVar contains an entry for this variant (Variation ID: 1720750). An algorithm developed to predict the effect of missense changes on protein structure and function (PolyPhen-2) suggests that this variant is likely to be tolerated. In summary, the available evidence is currently insufficient to determine the role of this variant in disease. Therefore, it has been classified as a Variant of Uncertain Significance.